The following is an entry in ClinVar:

ClinVar aggregate classification (germline): Uncertain significance (1 of 4 stars; one submission).

Conditions:
PGM1-congenital disorder of glycosylation. Also called: CDG It; PHOSPHOGLUCOMUTASE 1 DEFICIENCY; PGM1 DEFICIENCY; GLYCOGEN STORAGE DISEASE XIV; GSD XIV; Congenital disorder of glycosylation type 1t. Identifiers: Orphanet 319646, MedGen C2752015, MONDO:0013968, OMIM 614921.

Allele frequency attached by ClinVar (database versions not stated): gnomAD exomes 0.00001; ExAC 0.00002; gnomAD 0.00003; 1000 Genomes Project 30x 0.00016; 1000 Genomes Project 0.00020.
gnomAD v4.1: 18 of 1,614,034 alleles (0.0011%); highest among the groups gnomAD compares: Middle Eastern, 0.017%; no homozygotes.

Submission:

Labcorp Genetics (formerly Invitae), Labcorp
Classification: Uncertain significance for PGM1-congenital disorder of glycosylation. Last evaluated: 2022-06-15. Review status: criteria provided, single submitter. Criteria: Invitae Variant Classification Sherloc (09022015). Collection method: clinical testing. Allele origin: germline.
Comment: This variant is present in population databases (rs548066059, gnomAD 0.008%). In summary, the available evidence is currently insufficient to determine the role of this variant in disease. Therefore, it has been classified as a Variant of Uncertain Significance. Algorithms developed to predict the effect of missense changes on protein structure and function are either unavailable or do not agree on the potential impact of this missense change (SIFT: "Tolerated"; PolyPhen-2: "Probably Damaging"; Align-GVGD: "Class C0"). This variant has not been reported in the literature in individuals affected with PGM1-related conditions. This sequence change replaces glycine, which is neutral and non-polar, with glutamic acid, which is acidic and polar, at codon 279 of the PGM1 protein (p.Gly279Glu).

NM_002633.3(PGM1):c.836G>A (p.Gly279Glu)

Gene: PGM1 (phosphoglucomutase 1; plus strand). Cytogenetic location: 1p31.3.
Variant type: single nucleotide variant.
Coding change: c.836G>A on transcript NM_002633.3 (MANE Select); coding-DNA position 836, G replaced by A.
Protein change: p.Gly279Glu; replaces glycine 279 with glutamic acid.
Molecular consequence: missense variant.
Genome position (GRCh38, 1-based): chr1:63,634,982, G>A. VCF-style: chr1-63634982-G-A. GRCh37 (hg19) VCF-style: chr1-64100653-G-A.
Other names: c.890G>A, p.Gly297Glu (NM_001172818.1); c.245G>A, p.Gly82Glu (NM_001172819.2); short protein forms G297E, G279E, G82E.
Identifiers: ClinVar variation 1925770 (VCV001925770.5), dbSNP rs548066059, ClinGen allele CA889636.